The following is an entry in ClinVar:

NM_016373.4(WWOX):c.163G>C (p.Val55Leu)

Gene: WWOX (WW domain containing oxidoreductase; plus strand). Cytogenetic location: 16q23.1.
Variant type: single nucleotide variant.
Coding change: c.163G>C on transcript NM_016373.4 (MANE Select); coding-DNA position 163, G replaced by C.
Protein change: p.Val55Leu; replaces valine 55 with leucine.
Molecular consequence: missense variant. On other transcripts: non-coding transcript variant (1), intron variant (1).
Genome position (GRCh38, 1-based): chr16:78,108,478, G>C. VCF-style: chr16-78108478-G-C. GRCh37 (hg19) VCF-style: chr16-78142375-G-C.
Other names: c.163G>C, p.Val55Leu (NM_130791.5); c.-167-1300G>C (NM_001291997.2); short protein forms V55L.
Identifiers: ClinVar variation 2430347 (VCV002430347.2), dbSNP rs1415207243, ClinGen allele CA396842099.
Genomic context (GRCh38, chr16:78,108,478, plus strand): 5'-AACAGTCACACCGAGGAGAAGACTCAGTGGGAACATCCAAAAACTGGAAAAAGAAAACGA[G>C]TGGCAGGAGGTTTGTATGTTGTTGTCTAAGGATCTTGGATGGAAGCATTAAGTAGATGAG-3'
Protein context (NP_057457.1, residues 45-65): EHPKTGKRKR[Val55Leu]AGDLPYGWEQ

ClinVar aggregate classification (germline): Uncertain significance (1 of 4 stars; one submission).

Allele frequency attached by ClinVar (database versions not stated): TOPMed below 0.00001.

Submission:

Centre of Medical Genetics, University Hospital Muenster
Classification: Uncertain significance. Last evaluated: 2022-12-08. Review status: criteria provided, single submitter. Criteria: ACMG Guidelines, 2015. Collection method: clinical testing. Allele origin: unknown. Affected: yes. Observed: 1 variant allele, 1 heterozygote.
Comment: ACMG categories: PM2